The following is an entry in ClinVar:

ClinVar aggregate classification (germline): Uncertain significance (1 of 4 stars; one submission).

Conditions:
Epidermolysis bullosa simplex 5C, with pyloric atresia (EBS5C). Also called: PLEC-Related Epidermolysis Bullosa with Pyloric Atresia; Epidermolysis bullosa simplex with pyloric atresia; PLEC1-Related Epidermolysis Bullosa with Pyloric Atresia. Identifiers: Orphanet 158684, MedGen C2677349, MONDO:0012807, OMIM 612138.
Epidermolysis bullosa simplex with nail dystrophy (EBS5D). Identifiers: MedGen C4225309, MONDO:0014661, OMIM 616487.
Epidermolysis bullosa simplex 5B, with muscular dystrophy (EBS5B). Also called: EPIDERMOLYSIS BULLOSA SIMPLEX AND LIMB-GIRDLE MUSCULAR DYSTROPHY; Epidermolysis bullosa simplex with muscular dystrophy. Identifiers: Orphanet 257, MedGen C2931072, MONDO:0009181, OMIM 226670.
Epidermolysis bullosa simplex, Ogna type (EBS5A). Also called: Pidermolysis bullosa simplex 5A, Ogna type; EPIDERMOLYSIS BULLOSA SIMPLEX 5A, OGNA TYPE. Identifiers: Orphanet 79401, MedGen C0432317, MONDO:0007555, OMIM 131950.
Autosomal recessive limb-girdle muscular dystrophy type 2Q (LGMDR17). Also called: MUSCULAR DYSTROPHY, LIMB-GIRDLE, AUTOSOMAL RECESSIVE 17. Identifiers: Orphanet 254361, MedGen C3150989, MONDO:0013390, OMIM 613723.

Submission:

Labcorp Genetics (formerly Invitae), Labcorp
Classification: Uncertain significance for Autosomal recessive limb-girdle muscular dystrophy type 2Q; Epidermolysis bullosa simplex, Ogna type; Epidermolysis bullosa simplex with nail dystrophy; Epidermolysis bullosa simplex 5C, with pyloric atresia; Epidermolysis bullosa simplex 5B, with muscular dystrophy. Last evaluated: 2022-01-18. Review status: criteria provided, single submitter. Criteria: Invitae Variant Classification Sherloc (09022015). Collection method: clinical testing. Allele origin: germline.
Comment: In summary, the available evidence is currently insufficient to determine the role of this variant in disease. Therefore, it has been classified as a Variant of Uncertain Significance. This sequence change replaces aspartic acid, which is acidic and polar, with glycine, which is neutral and non-polar, at codon 1899 of the PLEC protein (p.Asp1899Gly). This variant is not present in population databases (gnomAD no frequency). This variant has not been reported in the literature in individuals affected with PLEC-related conditions. Algorithms developed to predict the effect of missense changes on protein structure and function are either unavailable or do not agree on the potential impact of this missense change (SIFT: "Deleterious"; PolyPhen-2: "Not Available"; Align-GVGD: "Class C15").

NM_201384.3(PLEC):c.5615A>G (p.Asp1872Gly)

Gene: PLEC (plectin; minus strand). Cytogenetic location: 8q24.3.
Variant type: single nucleotide variant.
Coding change: c.5615A>G on transcript NM_201384.3 (MANE Select); coding-DNA position 5615, A replaced by G.
Protein change: p.Asp1872Gly; replaces aspartic acid 1872 with glycine.
Molecular consequence: missense variant.
Genome position (GRCh38, 1-based): chr8:143,924,314, T>C on the plus strand (A>G on the coding strand, the complement: PLEC is on the minus strand). VCF-style: chr8-143924314-T-C. GRCh37 (hg19) VCF-style: chr8-144998482-T-C.
Other names: c.5696A>G, p.Asp1899Gly (NM_000445.5); c.5573A>G, p.Asp1858Gly (NM_201378.4); c.5549A>G, p.Asp1850Gly (NM_201379.3); c.6026A>G, p.Asp2009Gly (NM_201380.4); c.5519A>G, p.Asp1840Gly (NM_201381.3); c.5615A>G, p.Asp1872Gly (NM_201382.4); c.5627A>G, p.Asp1876Gly (NM_201383.3); short protein forms D1850G, D1876G, D1840G, D1872G, D1899G, D1858G, D2009G.
Identifiers: ClinVar variation 2079971 (VCV002079971.4), dbSNP rs2537880882, ClinGen allele CA372543268.
Genomic context (GRCh38, chr8:143,924,314, plus strand): 5'-TCGATGTCAGCCTTGTGTTGCGCGGCCTGCTCCTCCAGCCGCCGCCGCTGGAAGGCCTCG[T>C]CCTCCGCCAGCCGCCGCAGGCGCTCGTTCTCCGCCTCCTTCTCCTTGAGCGCGATCTCCG-3'
Protein context (NP_958786.1, residues 1862-1882): ENERLRRLAE[Asp1872Gly]EAFQRRRLEE